The following is an entry in ClinVar:

NM_001040142.2(SCN2A):c.3116T>C (p.Ile1039Thr)

Gene: SCN2A (sodium voltage-gated channel alpha subunit 2; plus strand). Cytogenetic location: 2q24.3.
Variant type: single nucleotide variant.
Coding change: c.3116T>C on transcript NM_001040142.2 (MANE Select); coding-DNA position 3116, T replaced by C.
Protein change: p.Ile1039Thr; replaces isoleucine 1039 with threonine.
Molecular consequence: missense variant.
Genome position (GRCh38, 1-based): chr2:165,354,388, T>C. VCF-style: chr2-165354388-T-C. GRCh37 (hg19) VCF-style: chr2-166210898-T-C.
Other names: c.3116T>C, p.Ile1039Thr (NM_001040143.2, NM_001371246.1, NM_001371247.1 and 1 more transcripts); short protein forms I1039T.
Identifiers: ClinVar variation 835601 (VCV000835601.10), dbSNP rs1700078175, ClinGen allele CA349020393.

ClinVar aggregate classification (germline): Uncertain significance (1 of 4 stars; one submission).

Conditions:
Seizures, benign familial infantile, 3 (BFIS3). Also called: Familial neonatal seizures; CONVULSIONS, BENIGN FAMILIAL INFANTILE, 3. Identifiers: Orphanet 140927, Orphanet 306, MedGen C1843140, MONDO:0011904, OMIM 607745.
Developmental and epileptic encephalopathy, 11 (DEE11). Also called: Early infantile epileptic encephalopathy 11. Identifiers: Orphanet 1934, MedGen C3150987, MONDO:0013388, OMIM 613721.

Submission:

Labcorp Genetics (formerly Invitae), Labcorp
Classification: Uncertain significance for Seizures, benign familial infantile, 3; Developmental and epileptic encephalopathy, 11. Last evaluated: 2024-10-15. Review status: criteria provided, single submitter. Criteria: Invitae Variant Classification Sherloc (09022015). Collection method: clinical testing. Allele origin: germline.
Comment: This sequence change replaces isoleucine, which is neutral and non-polar, with threonine, which is neutral and polar, at codon 1039 of the SCN2A protein (p.Ile1039Thr). This variant is not present in population databases (gnomAD no frequency). This variant has not been reported in the literature in individuals affected with SCN2A-related conditions. ClinVar contains an entry for this variant (Variation ID: 835601). Invitae Evidence Modeling of protein sequence and biophysical properties (such as structural, functional, and spatial information, amino acid conservation, physicochemical variation, residue mobility, and thermodynamic stability) indicates that this missense variant is not expected to disrupt SCN2A protein function with a negative predictive value of 95%. In summary, the available evidence is currently insufficient to determine the role of this variant in disease. Therefore, it has been classified as a Variant of Uncertain Significance.